The following is an entry in ClinVar:

NM_033026.6(PCLO):c.5153C>T (p.Ser1718Leu)

Gene: PCLO (piccolo presynaptic cytomatrix protein; minus strand). Cytogenetic location: 7q21.11.
Variant type: single nucleotide variant.
Coding change: c.5153C>T on transcript NM_033026.6 (MANE Select); coding-DNA position 5153, C replaced by T.
Protein change: p.Ser1718Leu; replaces serine 1718 with leucine.
Molecular consequence: missense variant.
Genome position (GRCh38, 1-based): chr7:82,955,800, G>A on the plus strand (C>T on the coding strand, the complement: PCLO is on the minus strand). VCF-style: chr7-82955800-G-A. GRCh37 (hg19) VCF-style: chr7-82585116-G-A.
Other names: c.5153C>T, p.Ser1718Leu (NM_014510.3); c.5153C>T (NM_033026.5); short protein forms S1718L.
Identifiers: ClinVar variation 1446887 (VCV001446887.6), dbSNP rs374430015, ClinGen allele CA4320698.

ClinVar aggregate classification (germline): Uncertain significance. Review status: criteria provided, multiple submitters, no conflicts (2 of 4 stars). 2 submissions from 2 submitters: Uncertain significance (2). Last evaluated 2024-06-26.

Conditions:
Inborn genetic diseases. Identifiers: MedGen C0950123, MeSH D030342.

Allele frequency attached by ClinVar (database versions not stated): ExAC 0.00001; gnomAD 0.00001; gnomAD exomes 0.00001; TOPMed 0.00002; ESP Exome Variant Server 0.00008.
gnomAD v4.1: 22 of 1,613,842 alleles (0.0014%); highest among the groups gnomAD compares: Middle Eastern, 0.016%; no homozygotes.

Submissions (2):

Ambry Genetics
Classification: Uncertain significance for Inborn genetic diseases. Last evaluated: 2024-06-26. Review status: criteria provided, single submitter. Criteria: Ambry Variant Classification Scheme 2023. Collection method: clinical testing. Allele origin: germline.

Labcorp Genetics (formerly Invitae), Labcorp
Classification: Uncertain significance. Last evaluated: 2022-02-02. Review status: criteria provided, single submitter. Criteria: Invitae Variant Classification Sherloc (09022015). Collection method: clinical testing. Allele origin: germline.
Comment: This sequence change replaces serine, which is neutral and polar, with leucine, which is neutral and non-polar, at codon 1718 of the PCLO protein (p.Ser1718Leu). This variant is present in population databases (rs374430015, gnomAD 0.003%). This variant has not been reported in the literature in individuals affected with PCLO-related conditions. Algorithms developed to predict the effect of missense changes on protein structure and function are either unavailable or do not agree on the potential impact of this missense change (SIFT: "Deleterious"; PolyPhen-2: "Not Available"; Align-GVGD: "Class C0"). In summary, the available evidence is currently insufficient to determine the role of this variant in disease. Therefore, it has been classified as a Variant of Uncertain Significance.